The following is an entry in ClinVar:

ClinVar aggregate classification (germline): Uncertain significance. Review status: criteria provided, multiple submitters, no conflicts (2 of 4 stars). 3 submissions from 3 submitters: Uncertain significance (3). Last evaluated 2026-03-03.

Allele frequency attached by ClinVar (database versions not stated): 1000 Genomes Project 0.00020; 1000 Genomes Project 30x 0.00031; gnomAD exomes 0.00036; gnomAD 0.00039; ESP Exome Variant Server 0.00040; TOPMed 0.00042; ExAC 0.00044.
gnomAD v4.1: 587 of 1,613,254 alleles (0.036%); highest among the groups gnomAD compares: Middle Eastern, 0.05%; no homozygotes.

Submissions (3):

Women's Health and Genetics/Laboratory Corporation of America, LabCorp
Classification: Uncertain significance. Last evaluated: 2026-03-03. Review status: criteria provided, single submitter. Criteria: LabCorp Variant Classification Summary - May 2015. Collection method: clinical testing. Allele origin: germline.
Comment: Variant summary: CAPN1 c.785C>A (p.Ala262Asp) results in a non-conservative amino acid change in the encoded protein sequence. Algorithms developed to predict the effect of missense changes on protein structure and function all suggest that this variant is likely to be disruptive. The variant allele was found at a frequency of 0.00031 in 247626 control chromosomes. This frequency is not significantly higher than estimated for disease-causing variants in CAPN1, allowing no conclusion about variant significance. To our knowledge, no occurrence of c.785C>A in individuals affected with CAPN1-related conditions and no experimental evidence demonstrating its impact on protein function have been reported. ClinVar contains an entry for this variant (Variation ID: 2068941). Based on the evidence outlined above, the variant was classified as uncertain significance.

Labcorp Genetics (formerly Invitae), Labcorp
Classification: Uncertain significance. Last evaluated: 2024-12-16. Review status: criteria provided, single submitter. Criteria: Invitae Variant Classification Sherloc (09022015). Collection method: clinical testing. Allele origin: germline.
Comment: This sequence change replaces alanine, which is neutral and non-polar, with aspartic acid, which is acidic and polar, at codon 262 of the CAPN1 protein (p.Ala262Asp). This variant is present in population databases (rs192099450, gnomAD 0.06%). This variant has not been reported in the literature in individuals affected with CAPN1-related conditions. ClinVar contains an entry for this variant (Variation ID: 2068941). Invitae Evidence Modeling of protein sequence and biophysical properties (such as structural, functional, and spatial information, amino acid conservation, physicochemical variation, residue mobility, and thermodynamic stability) indicates that this missense variant is not expected to disrupt CAPN1 protein function with a negative predictive value of 80%. In summary, the available evidence is currently insufficient to determine the role of this variant in disease. Therefore, it has been classified as a Variant of Uncertain Significance.

Blueprint Genetics
Classification: Uncertain significance. Last evaluated: 2024-10-15. Review status: criteria provided, single submitter. Criteria: ACMG Guidelines, 2015. Collection method: clinical testing. Allele origin: germline.

NM_005186.4(CAPN1):c.785C>A (p.Ala262Asp)

Gene: CAPN1 (calpain 1; plus strand). Cytogenetic location: 11q13.1.
Variant type: single nucleotide variant.
Coding change: c.785C>A on transcript NM_005186.4 (MANE Select); coding-DNA position 785, C replaced by A.
Protein change: p.Ala262Asp; replaces alanine 262 with aspartic acid.
Molecular consequence: missense variant. On other transcripts: non-coding transcript variant (1).
Genome position (GRCh38, 1-based): chr11:65,187,240, C>A. VCF-style: chr11-65187240-C-A. GRCh37 (hg19) VCF-style: chr11-64954711-C-A.
Other names: c.785C>A, p.Ala262Asp (NM_001198868.2, NM_001198869.2); c.623C>A, p.Ala208Asp (NM_001198870.1); short protein forms A208D, A262D.
Identifiers: ClinVar variation 2068941 (VCV002068941.5), dbSNP rs192099450, ClinGen allele CA6093193.